The following is an entry in ClinVar:

ClinVar aggregate classification (germline): Uncertain significance (1 of 4 stars; one submission).

Conditions:
Progressive sclerosing poliodystrophy (MTDPS4A). Also called: ALPERS PROGRESSIVE INFANTILE POLIODYSTROPHY; NEURONAL DEGENERATION OF CHILDHOOD WITH LIVER DISEASE, PROGRESSIVE; Mitochondrial DNA depletion syndrome 4A (Alpers type); Alpers Syndrome; ALPERS DIFFUSE DEGENERATION OF CEREBRAL GRAY MATTER WITH HEPATIC CIRRHOSIS; Alpers-Huttenlocher Syndrome. Identifiers: Orphanet 726, MedGen C0205710, MONDO:0008758, OMIM 203700.

Submission:

Labcorp Genetics (formerly Invitae), Labcorp
Classification: Uncertain significance for Progressive sclerosing poliodystrophy. Last evaluated: 2025-12-03. Review status: criteria provided, single submitter. Criteria: Invitae Variant Classification Sherloc (09022015). Collection method: clinical testing. Allele origin: germline.
Comment: This sequence change replaces proline, which is neutral and non-polar, with leucine, which is neutral and non-polar, at codon 95 of the POLG protein (p.Pro95Leu). This variant is not present in population databases (gnomAD no frequency). This variant has not been reported in the literature in individuals affected with POLG-related conditions. ClinVar contains an entry for this variant (Variation ID: 2915777). Invitae Evidence Modeling of protein sequence and biophysical properties (such as structural, functional, and spatial information, amino acid conservation, physicochemical variation, residue mobility, and thermodynamic stability) has been performed for this missense variant. However, the output from this modeling did not meet the statistical confidence thresholds required to predict the impact of this variant on POLG protein function. In summary, the available evidence is currently insufficient to determine the role of this variant in disease. Therefore, it has been classified as a Variant of Uncertain Significance.

NM_002693.3(POLG):c.284C>T (p.Pro95Leu)

Genes: POLG (DNA polymerase gamma, catalytic subunit; minus strand), POLGARF (POLG alternative reading frame; minus strand). Cytogenetic location: 15q26.1.
Variant type: single nucleotide variant.
Coding change: c.284C>T on transcript NM_002693.3 (MANE Select); coding-DNA position 284, C replaced by T.
Protein change: p.Pro95Leu; replaces proline 95 with leucine.
Molecular consequence: missense variant.
Genome position (GRCh38, 1-based): chr15:89,333,471, G>A on the plus strand (C>T on the coding strand, the complement: POLG is on the minus strand). VCF-style: chr15-89333471-G-A. GRCh37 (hg19) VCF-style: chr15-89876702-G-A.
Other names: c.284C>T, p.Pro95Leu (NM_001126131.2); short protein forms P95L.
Identifiers: ClinVar variation 2915777 (VCV002915777.3), dbSNP rs767637320, ClinGen allele CA274566160.